The following is an entry in ClinVar:

NM_058004.4(PI4KA):c.3153+8C>T

Gene: PI4KA (phosphatidylinositol 4-kinase alpha; minus strand). Cytogenetic location: 22q11.21.
Variant type: single nucleotide variant.
Coding change: c.3153+8C>T on transcript NM_058004.4 (MANE Select); 8 bases into the intron after coding-DNA position 3153, C replaced by T.
Molecular consequence: intron variant.
Genome position (GRCh38, 1-based): chr22:20,751,285, G>A on the plus strand (C>T on the coding strand, the complement: PI4KA is on the minus strand). VCF-style: chr22-20751285-G-A. GRCh37 (hg19) VCF-style: chr22-21105573-G-A.
Other names: c.3087+8C>T (NM_001362863.2); c.3153+8C>T (NM_001362862.2).
Identifiers: ClinVar variation 3047925 (VCV003047925.3), dbSNP rs780382308, ClinGen allele CA10115478.
Genomic context (GRCh38, chr22:20,751,285, plus strand): 5'-TCTCGTGGAAATACTCAGGGAATTGTGGTAAAGATGGCCCTTAGTGCAGGGGATCGTGTC[G>A]GGCCTACCTCACGGGCTTCGTACGTGTCAGGAACCGTGATCCGGTAGGGGGCGTCGGGGA-3'

ClinVar aggregate classification (germline): Likely benign. Review status: criteria provided, single submitter (1 of 4 stars). 2 submissions from 2 submitters: Likely benign (1). 1 of the submissions does not count toward it. Last evaluated 2024-11-13.

Conditions:
PI4KA-related disorder. Also called: PI4KA-related condition; PI4KA-related disorders. Identifiers: MedGen CN378147, MONDO:1040012.

Allele frequency attached by ClinVar (database versions not stated): gnomAD exomes 0.00003; TOPMed 0.00005; gnomAD 0.00007; ExAC 0.00008.
gnomAD v4.1: 59 of 1,611,004 alleles (0.0037%); highest among the groups gnomAD compares: Admixed American, 0.005%; no homozygotes.

Submissions (2):

Blueprint Genetics
Classification: Likely benign. Last evaluated: 2024-11-13. Review status: criteria provided, single submitter. Criteria: ACMG Guidelines, 2015. Collection method: clinical testing. Allele origin: germline.

PreventionGenetics, part of Exact Sciences
Classification: Likely benign for PI4KA-related condition. Last evaluated: 2021-06-01. Review status: no assertion criteria provided. Collection method: clinical testing. Allele origin: germline. Not counted in ClinVar's aggregate classification.
Comment: This variant is classified as likely benign based on ACMG/AMP sequence variant interpretation guidelines (Richards et al. 2015 PMID: 25741868, with internal and published modifications).